The following is an entry in ClinVar:

ClinVar aggregate classification (germline): Likely benign (1 of 4 stars; one submission).

Allele frequency attached by ClinVar (database versions not stated): ESP Exome Variant Server 0.00046; 1000 Genomes Project 0.00060; ExAC 0.00121.

Submission:

CeGaT Center for Human Genetics Tuebingen
Classification: Likely benign. Last evaluated: 2023-03-01. Review status: criteria provided, single submitter. Criteria: CeGaT Center For Human Genetics Tuebingen Variant Classification Criteria Version 2. Collection method: clinical testing. Allele origin: germline. Affected: yes. Observed: 2 variant alleles.
Comment: PDE4DIP: BP4, BP7

NM_001395426.1(PDE4DIP):c.1128A>C (p.Thr376=)

Gene: PDE4DIP (phosphodiesterase 4D interacting protein; plus strand). Cytogenetic location: 1q21.2.
Variant type: single nucleotide variant.
Coding change: c.1128A>C on transcript NM_001395426.1 (MANE Select); coding-DNA position 1128, A replaced by C.
Protein change: p.Thr376=; no amino-acid change (threonine 376 retained).
Molecular consequence: synonymous variant.
Genome position (GRCh38, 1-based): chr1:148,962,237, A>C. VCF-style: chr1-148962237-A-C. GRCh37 (hg19) VCF-style: chr1-144922238-T-G.
Other names: c.1341A>C, p.Thr447= (NM_001395303.1, NM_001395307.1, NM_001395316.1 and 4 more transcripts); c.1128A>C, p.Thr376= (NM_001395304.1, NM_001395305.1, NM_001395306.1 and 11 more transcripts); c.1419A>C, p.Thr473= (NM_001395309.1, NM_001395315.1, NM_001002811.3 and 4 more transcripts); c.1017A>C, p.Thr339= (NM_001395313.1, NM_001395321.1); c.1080A>C, p.Thr360= (NM_001395319.1); c.834A>C, p.Thr278= (NM_001395322.1); c.291A>C, p.Thr97= (NM_001395323.1, NM_001395324.1); c.930A>C, p.Thr310= (NM_014644.7, NM_001002812.4, NM_001198834.5); and 1 more.
Identifiers: ClinVar variation 2639076 (VCV002639076.24), dbSNP rs144426043, ClinGen allele CA1047681.
Genomic context (GRCh38, chr1:148,962,237, plus strand): 5'-TTCCCTCTCTCATTTTCAGACTGAGGAGTTGTACCAGGTAATTGAAGGTCAAAATGACAC[A>C]ATGGCAAAGCTTCGAGAAATGCTGCACCAAAGCCAGCTTGGACAACTTCACGTATGTGAG-3'
Protein context (NP_001382355.1, residues 366-386): LYQVIEGQND[Thr376=]MAKLREMLHQ